The following is an entry in ClinVar:

ClinVar aggregate classification (germline): Uncertain significance (1 of 4 stars; one submission).

Conditions:
Hereditary cancer-predisposing syndrome. Also called: Neoplastic Syndromes, Hereditary; Tumor predisposition; Hereditary Cancer Syndrome; Hereditary neoplastic syndrome. Identifiers: Orphanet 140162, MedGen C0027672, MeSH D009386, MONDO:0015356.

gnomAD v4.1: 1 of 1,613,342 alleles (0.000062%); highest among the groups gnomAD compares: East Asian, 0.0022%; no homozygotes.

Submission:

Ambry Genetics
Classification: Uncertain significance for Hereditary cancer-predisposing syndrome. Last evaluated: 2015-09-02. Review status: criteria provided, single submitter. Criteria: Ambry Variant Classification Scheme 2023. Collection method: clinical testing. Allele origin: germline.
Comment: The p.T542S variant (also known as c.1625C>G), located in coding exon 10 of the RAD50 gene, results from a C to G substitution at nucleotide position 1625. The threonine at codon 542 is replaced by serine, an amino acid with similar properties. This variant was not reported in population based cohorts in the following databases: Database of Single Nucleotide Polymorphisms (dbSNP), NHLBI Exome Sequencing Project (ESP), and 1000 Genomes Project. In the ESP, this variant was not observed in 6503 samples (13006 alleles) with coverage at this position. To date, this alteration has been detected with an allele frequency of approximately 0.002% (greater than 65000 alleles tested) in our clinical cohort. This amino acid position is poorly conserved in available vertebrate species. In addition, this alteration is predicted to be tolerated by in silico analysis. Since supporting evidence is limited at this time, the clinical significance of p.T542S remains unclear.

NM_005732.4(RAD50):c.1625C>G (p.Thr542Ser)

Gene: RAD50 (RAD50 double strand break repair protein; plus strand). Cytogenetic location: 5q31.1.
Variant type: single nucleotide variant.
Coding change: c.1625C>G on transcript NM_005732.4 (MANE Select); coding-DNA position 1625, C replaced by G.
Protein change: p.Thr542Ser; replaces threonine 542 with serine.
Molecular consequence: missense variant.
Genome position (GRCh38, 1-based): chr5:132,591,396, C>G. VCF-style: chr5-132591396-C-G. GRCh37 (hg19) VCF-style: chr5-131927088-C-G.
Other names: short protein forms T542S.
Identifiers: ClinVar variation 233666 (VCV000233666.5), dbSNP rs876660559, ClinGen allele CA10578536.